The following is an entry in ClinVar:

ClinVar aggregate classification (germline): Conflicting classifications of pathogenicity. Review status: criteria provided, conflicting classifications (1 of 4 stars). 2 submissions from 2 submitters: Uncertain significance (1); Likely benign (1). Last evaluated 2024-10-22.

Conditions:
Familial hemiplegic migraine. Identifiers: MedGen C0338484, MONDO:0000700.

Allele frequency attached by ClinVar (database versions not stated): gnomAD exomes below 0.00001; TOPMed 0.00001; ExAC 0.00003.
gnomAD v4.1: 7 of 1,614,182 alleles (0.00043%); highest among the groups gnomAD compares: Admixed American, 0.005%; no homozygotes.

Submissions (2):

Women's Health and Genetics/Laboratory Corporation of America, LabCorp
Classification: Uncertain significance. Last evaluated: 2024-10-22. Review status: criteria provided, single submitter. Criteria: LabCorp Variant Classification Summary - May 2015. Collection method: clinical testing. Allele origin: germline.
Comment: Variant summary: ATP1A2 c.2116-19G>A alters a nucleotide located at a position not widely known to affect splicing. Several computational tools predict a significant impact on normal splicing: Four predict the variant no significant impact on splicing. Four predict the variant creates a 5' donor site. However, these predictions have yet to be confirmed by functional studies. The variant allele was found at a frequency of 2.4e-05 in 251374 control chromosomes. The available data on variant occurrences in the general population are insufficient to allow any conclusion about variant significance. To our knowledge, no occurrence of c.2116-19G>A in individuals affected with Alternating Hemiplegia Of Childhood 1 and no experimental evidence demonstrating its impact on protein function have been reported. ClinVar contains an entry for this variant (Variation ID: 2901267). Based on the evidence outlined above, the variant was classified as uncertain significance.

Labcorp Genetics (formerly Invitae), Labcorp
Classification: Likely benign for Familial hemiplegic migraine. Last evaluated: 2023-01-07. Review status: criteria provided, single submitter. Criteria: Invitae Variant Classification Sherloc (09022015). Collection method: clinical testing. Allele origin: germline.

NM_000702.4(ATP1A2):c.2116-19G>A

Gene: ATP1A2 (ATPase Na+/K+ transporting subunit alpha 2; plus strand). Cytogenetic location: 1q23.2.
Variant type: single nucleotide variant.
Coding change: c.2116-19G>A on transcript NM_000702.4 (MANE Select); 19 bases into the intron before coding-DNA position 2116, G replaced by A.
Molecular consequence: intron variant.
Genome position (GRCh38, 1-based): chr1:160,135,415, G>A. VCF-style: chr1-160135415-G-A. GRCh37 (hg19) VCF-style: chr1-160105205-G-A.
Identifiers: ClinVar variation 2901267 (VCV002901267.4), dbSNP rs747542544, ClinGen allele CA1194673.